The following is an entry in ClinVar:

NM_015662.3(IFT172):c.3570G>C (p.Val1190=)

Genes: IFT172 (intraflagellar transport 172; minus strand), LOC126806173 (BRD4-independent group 4 enhancer GRCh37_chr2:27676057-27677256; plus strand). Cytogenetic location: 2p23.3.
Variant type: single nucleotide variant.
Coding change: c.3570G>C on transcript NM_015662.3 (MANE Select); coding-DNA position 3570, G replaced by C.
Protein change: p.Val1190=; no amino-acid change (valine 1190 retained).
Molecular consequence: synonymous variant.
Genome position (GRCh38, 1-based): chr2:27,454,123, C>G on the plus strand (G>C on the coding strand, the complement: IFT172 is on the minus strand). VCF-style: chr2-27454123-C-G. GRCh37 (hg19) VCF-style: chr2-27676990-C-G.
Other names: c.3504G>C, p.Val1168= (NM_001410739.1).
Identifiers: ClinVar variation 3355132 (VCV003355132.1).
Genomic context (GRCh38, chr2:27,454,123, plus strand): 5'-GGCCCCCCGGGCCTGTCCCACAAGCACCTCGGCGACACTGTCAGGGTCGTGAGCCTCAGC[C>G]ACACGCTGAGCTGCCTCCCAATCCTGGTTATGGACAAACCTGCCTCCAGGTGGGGACAGA-3'
Protein context (NP_056477.1, residues 1180-1200): HNQDWEAAQR[Val1190=]AEAHDPDSVA

ClinVar aggregate classification (germline): Likely benign (0 of 4 stars; one submission).

Conditions:
IFT172-related disorder. Also called: IFT172-related disorders; IFT172-related condition.

Submission:

PreventionGenetics, part of Exact Sciences
Classification: Likely benign for IFT172-related condition. Last evaluated: 2021-08-23. Review status: no assertion criteria provided. Collection method: clinical testing. Allele origin: germline.
Comment: This variant is classified as likely benign based on ACMG/AMP sequence variant interpretation guidelines (Richards et al. 2015 PMID: 25741868, with internal and published modifications).